The following is an entry in ClinVar:

ClinVar aggregate classification (germline): Uncertain significance (1 of 4 stars; one submission).

Submission:

Illumina Laboratory Services, Illumina
Classification: Uncertain significance. Last evaluated: 2021-01-04. Review status: criteria provided, single submitter. Criteria: ICSLVariantClassificationCriteria RUGD 01 April 2020. Collection method: clinical testing. Allele origin: unknown.
Comment: The GRM5 c.3200G>A (p.Arg1067His) variant is a missense variant. A literature search was performed for the gene, cDNA change, and amino acid change. No publications were found based on this search. This variant is not found in version 2.1.1 or version 3.1.1 of the Genome Aggregation Database despite its location in a region of good sequence coverage, which suggests the variant is rare. Based on the available evidence, the p.Arg1067His variant is classified as a variant of uncertain significance.

NM_001143831.3(GRM5):c.3200G>A (p.Arg1067His)

Genes: GRM5 (glutamate metabotropic receptor 5; minus strand), GRM5-AS1 (GRM5 antisense RNA 1; plus strand). Cytogenetic location: 11q14.2.
Variant type: single nucleotide variant.
Coding change: c.3200G>A on transcript NM_001143831.3 (MANE Select); coding-DNA position 3200, G replaced by A.
Protein change: p.Arg1067His; replaces arginine 1067 with histidine.
Molecular consequence: missense variant.
Genome position (GRCh38, 1-based): chr11:88,509,031, C>T on the plus strand (G>A on the coding strand, the complement: GRM5 is on the minus strand). VCF-style: chr11-88509031-C-T. GRCh37 (hg19) VCF-style: chr11-88242199-C-T.
Other names: c.3104G>A, p.Arg1035His (NM_000842.5, NM_001384268.1); short protein forms R1035H, R1067H.
Identifiers: ClinVar variation 1299443 (VCV001299443.4), dbSNP rs2135072194, ClinGen allele CA382071102.
Genomic context (GRCh38, chr11:88,509,031, plus strand): 5'-GGGCTGGGGGCCGCGGTGGACAGCATCATGGAGTTGAGCTCGCTGATGTTGGCCGTGAAG[C>T]GGGTGACCACACTGCTGATCTGCTCCATGAGGGAGCCCTGCGAGGAGCTGCTGCGCGCCA-3'
Protein context (NP_001137303.1, residues 1057-1077): LMEQISSVVT[Arg1067His]FTANISELNS